The following is an entry in ClinVar:

NM_024306.5(FA2H):c.1028A>G (p.His343Arg)

Gene: FA2H (fatty acid 2-hydroxylase; minus strand). Cytogenetic location: 16q23.1.
Variant type: single nucleotide variant.
Coding change: c.1028A>G on transcript NM_024306.5 (MANE Select); coding-DNA position 1028, A replaced by G.
Protein change: p.His343Arg; replaces histidine 343 with arginine.
Molecular consequence: missense variant.
Genome position (GRCh38, 1-based): chr16:74,716,358, T>C on the plus strand (A>G on the coding strand, the complement: FA2H is on the minus strand). VCF-style: chr16-74716358-T-C. GRCh37 (hg19) VCF-style: chr16-74750256-T-C.
Other names: short protein forms H343R.
Identifiers: ClinVar variation 1006280 (VCV001006280.7), dbSNP rs995971156, ClinGen allele CA283758326.

ClinVar aggregate classification (germline): Uncertain significance. Review status: criteria provided, multiple submitters, no conflicts (2 of 4 stars). 2 submissions from 2 submitters: Uncertain significance (2). Last evaluated 2024-10-30.

Conditions:
Spastic paraplegia. Identifiers: MedGen C0037772, HP:0001258.
Hereditary spastic paraplegia 35. Also called: SPASTIC PARAPLEGIA 35, AUTOSOMAL RECESSIVE, WITH OR WITHOUT NEURODEGENERATION; Spastic paraplegia 35; LEUKODYSTROPHY, DYSMYELINATING, AND SPASTIC PARAPARESIS WITH OR WITHOUT DYSTONIA; Spastic paraplegia 35, autosomal recessive. Identifiers: Orphanet 171629, MedGen C3496228, MONDO:0012866, OMIM 612319.

Allele frequency attached by ClinVar (database versions not stated): TOPMed below 0.00001; gnomAD 0.00001.

Submissions (2):

3billion
Classification: Uncertain significance for Hereditary spastic paraplegia 35. Last evaluated: 2024-10-30. Review status: criteria provided, single submitter. Criteria: ACMG Guidelines, 2015. Collection method: clinical testing. Allele origin: germline. Affected: yes.
Comment: The variant is observed at an extremely low frequency in the gnomAD v4.1.0 dataset (total allele frequency: <0.001%). Predicted Consequence/Location: Missense variant In silico tool predictions suggest damaging effect of the variant on gene or gene product [REVEL: 0.62 (>=0.6, sensitivity 0.68 and specificity 0.92)]. The variant has been reported as of uncertain significance (ClinVar ID: VCV001006280). Different missense changes at the same codon have been reported as of uncertain significance (ClinVar ID: VCV000967482). Therefore, this variant is classified as VUS according to the recommendation of ACMG/AMP guideline.

Labcorp Genetics (formerly Invitae), Labcorp
Classification: Uncertain significance for Spastic paraplegia. Last evaluated: 2021-08-12. Review status: criteria provided, single submitter. Criteria: Invitae Variant Classification Sherloc (09022015). Collection method: clinical testing. Allele origin: germline.
Comment: This sequence change replaces histidine with arginine at codon 343 of the FA2H protein (p.His343Arg). The histidine residue is moderately conserved and there is a small physicochemical difference between histidine and arginine. This variant is not present in population databases (ExAC no frequency). This missense change has been observed in individual(s) with clinical features of FA2H-related conditions (Invitae). Advanced modeling of protein sequence and biophysical properties (such as structural, functional, and spatial information, amino acid conservation, physicochemical variation, residue mobility, and thermodynamic stability) performed at Invitae indicates that this missense variant is expected to disrupt FA2H protein function. Algorithms developed to predict the effect of sequence changes on RNA splicing suggest that this variant may create or strengthen a splice site. In summary, the available evidence is currently insufficient to determine the role of this variant in disease. Therefore, it has been classified as a Variant of Uncertain Significance.